The following is an entry in ClinVar:

ClinVar aggregate classification (germline): Benign (1 of 4 stars; one submission).

Conditions:
THBS1-related disorder. Also called: THBS1-related condition.

gnomAD v4.1: 10,857 of 1,596,492 alleles (0.68%); highest among the groups gnomAD compares: African/African-American, 11%; 509 homozygotes.

Submission:

PreventionGenetics, part of Exact Sciences
Classification: Benign for THBS1-related condition. Last evaluated: 2025-05-05. Review status: criteria provided, single submitter. Criteria: ACMG Guidelines, 2015. Collection method: clinical testing. Allele origin: germline.
Comment: This variant is classified as benign based on ACMG/AMP sequence variant interpretation guidelines (Richards et al. 2015 PMID: 25741868, with internal and published modifications).

NM_003246.4(THBS1):c.70T>G (p.Ser24Ala)

Gene: THBS1 (thrombospondin 1; plus strand). Cytogenetic location: 15q14.
Variant type: single nucleotide variant.
Coding change: c.70T>G on transcript NM_003246.4 (MANE Select); coding-DNA position 70, T replaced by G.
Protein change: p.Ser24Ala; replaces serine 24 with alanine.
Molecular consequence: missense variant.
Genome position (GRCh38, 1-based): chr15:39,582,195, T>G. VCF-style: chr15-39582195-T-G. GRCh37 (hg19) VCF-style: chr15-39874396-T-G.
Other names: short protein forms S24A.
Identifiers: ClinVar variation 5000806 (VCV005000806.1).